The following is an entry in ClinVar:

ClinVar aggregate classification (germline): Uncertain significance (1 of 4 stars; one submission).

Conditions:
Immunodeficiency. Identifiers: MedGen C0021051, MONDO:0021094, HP:0002721.

gnomAD v4.1: 2 of 1,598,368 alleles (0.00013%); highest among the groups gnomAD compares: Non-Finnish European, 0.00017%; no homozygotes.

Submission:

Labcorp Genetics (formerly Invitae), Labcorp
Classification: Uncertain significance for Immunodeficiency. Last evaluated: 2020-02-02. Review status: criteria provided, single submitter. Criteria: Invitae Variant Classification Sherloc (09022015). Collection method: clinical testing. Allele origin: germline.
Comment: In summary, the available evidence is currently insufficient to determine the role of this variant in disease. Therefore, it has been classified as a Variant of Uncertain Significance. Algorithms developed to predict the effect of missense changes on protein structure and function (SIFT, PolyPhen-2, Align-GVGD) all suggest that this variant is likely to be tolerated, but these predictions have not been confirmed by published functional studies and their clinical significance is uncertain. This variant has not been reported in the literature in individuals with NFAT5-related conditions. This variant is not present in population databases (ExAC no frequency). This sequence change replaces arginine with threonine at codon 541 of the NFAT5 protein (p.Arg541Thr). The arginine residue is moderately conserved and there is a moderate physicochemical difference between arginine and threonine.

NM_138713.4(NFAT5):c.1904G>C (p.Arg635Thr)

Gene: NFAT5 (nuclear factor of activated T cells 5; plus strand). Cytogenetic location: 16q22.1.
Variant type: single nucleotide variant.
Coding change: c.1904G>C on transcript NM_138713.4 (MANE Select); coding-DNA position 1904, G replaced by C.
Protein change: p.Arg635Thr; replaces arginine 635 with threonine.
Molecular consequence: missense variant.
Genome position (GRCh38, 1-based): chr16:69,691,069, G>C. VCF-style: chr16-69691069-G-C. GRCh37 (hg19) VCF-style: chr16-69724972-G-C.
Other names: c.1901G>C, p.Arg634Thr (NM_001113178.3); c.1229G>C, p.Arg410Thr (NM_001367709.1); c.1850G>C, p.Arg617Thr (NM_006599.4); c.1622G>C, p.Arg541Thr (NM_138714.4, NM_173214.3, NM_173215.3); short protein forms R410T, R541T, R617T, R634T, R635T.
Identifiers: ClinVar variation 1055340 (VCV001055340.9), dbSNP rs2151716663, ClinGen allele CA396504474.